The following is an entry in ClinVar:

ClinVar aggregate classification (germline): Uncertain significance (1 of 4 stars; one submission).

Conditions:
Hereditary cancer-predisposing syndrome. Also called: Neoplastic Syndromes, Hereditary; Tumor predisposition; Hereditary Cancer Syndrome; Hereditary neoplastic syndrome. Identifiers: Orphanet 140162, MedGen C0027672, MeSH D009386, MONDO:0015356.

Submission:

Ambry Genetics
Classification: Uncertain significance for Hereditary cancer-predisposing syndrome. Last evaluated: 2025-09-03. Review status: criteria provided, single submitter. Criteria: Ambry Variant Classification Scheme 2023. Collection method: clinical testing. Allele origin: germline.
Comment: The c.1367_1396dup30 variant (also known as p.Y465_R466ins10), located in coding exon 9 of the BRCA1 gene, results from an in-frame duplication of 30 nucleotides at nucleotide positions 1367 to 1396. This results in the duplication of 10 residues (LEDKIFGKTY) between codons 465 and 466. This amino acid region is not well conserved in available vertebrate species. Based on the available evidence, the clinical significance of this variant remains unclear.

NM_007294.4(BRCA1):c.1367_1396dup (p.Tyr465_Arg466insLeuGluAspLysIlePheGlyLysThrTyr)

Gene: BRCA1 (BRCA1 DNA repair associated; minus strand). Cytogenetic location: 17q21.31.
Variant type: Duplication.
Coding change: c.1367_1396dup on transcript NM_007294.4 (MANE Select); coding-DNA positions 1367 to 1396, 30 bases duplicated (TTGAAGACAAAATATTTGGGAAAACCTATC).
Protein change: p.Tyr465_Arg466insLeuGluAspLysIlePheGlyLysThrTyr.
Molecular consequence: inframe indel (on NM_007294.3). On other transcripts: intron variant (137).
Genome position (GRCh38, 1-based): chr17:43,094,135-43,094,164, GATAGGTTTTCCCAAATATTTTGTCTTCAA duplicated on the plus strand (TTGAAGACAAAATATTTGGGAAAACCTATC on the coding strand, the reverse complement: BRCA1 is on the minus strand). VCF-style (leftmost placement, unchanged base first): chr17-43094134-C-CGATAGGTTTTCCCAAATATTTTGTCTTCAA. GRCh37 (hg19) VCF-style: chr17-41246151-C-CGATAGGTTTTCCCAAATATTTTGTCTTCAA.
Other names: c.1367_1396dupTTGAAGACAAAATATTTGGGAAAACCTATC (NM_007294.3); c.1364_1393dup, p.Tyr464_Arg465insLeuGluAspLysIlePheGlyLysThrTyr (NM_001407644.1, NM_001407645.1, NM_001407587.1 and 22 more transcripts); c.1358_1387dup, p.Tyr462_Arg463insLeuGluAspLysIlePheGlyLysThrTyr (NM_001407646.1, NM_001407647.1); c.1244_1273dup, p.Tyr424_Arg425insLeuGluAspLysIlePheGlyLysThrTyr (NM_001407648.1, NM_001407938.1, NM_001407939.1 and 19 more transcripts); c.1241_1270dup, p.Tyr423_Arg424insLeuGluAspLysIlePheGlyLysThrTyr (NM_001407649.1, NM_001407940.1, NM_001407941.1 and 11 more transcripts); c.1367_1396dup, p.Tyr465_Arg466insLeuGluAspLysIlePheGlyLysThrTyr (NM_001407652.1, NM_001407581.1, NM_001407582.1 and 30 more transcripts); c.1289_1318dup, p.Tyr439_Arg440insLeuGluAspLysIlePheGlyLysThrTyr (NM_001407653.1, NM_001407654.1, NM_001407655.1 and 4 more transcripts); c.1154_1183dup, p.Tyr394_Arg395insLeuGluAspLysIlePheGlyLysThrTyr (NM_001407571.1, NM_001407894.1, NM_001407895.1 and 9 more transcripts); and 41 more.
Identifiers: ClinVar variation 4215106 (VCV004215106.1).
Genomic context (GRCh38, chr17:43,094,134, plus strand): 5'-AATGCTCCTATAATTAGATTTTCAGTTACATGGCTTAAGTTGGGGAGGCTTGCCTTCTTC[C>CGATAGGTTTTCCCAAATATTTTGTCTTCAA]GATAGGTTTTCCCAAATATTTTGTCTTCAATATTACTCTCTACTGATTTGGAGTGAACTC-3'